The following is an entry in ClinVar:

NM_001371727.1(GABRB2):c.275G>A (p.Arg92Lys)

Gene: GABRB2 (gamma-aminobutyric acid type A receptor subunit beta2; minus strand). Cytogenetic location: 5q34.
Variant type: single nucleotide variant.
Coding change: c.275G>A on transcript NM_001371727.1 (MANE Select); coding-DNA position 275, G replaced by A.
Protein change: p.Arg92Lys; replaces arginine 92 with lysine.
Molecular consequence: missense variant.
Genome position (GRCh38, 1-based): chr5:161,459,807, C>T on the plus strand (G>A on the coding strand, the complement: GABRB2 is on the minus strand). VCF-style: chr5-161459807-C-T. GRCh37 (hg19) VCF-style: chr5-160886813-C-T.
Other names: c.275G>A, p.Arg92Lys (NM_000813.3, NM_021911.3); short protein forms R92K.
Identifiers: ClinVar variation 1038251 (VCV001038251.9), dbSNP rs1758064008, ClinGen allele CA362174101.

ClinVar aggregate classification (germline): Uncertain significance (1 of 4 stars; one submission).

Conditions:
Intellectual disability. Also called: Intellectual functioning disability; Intellectual developmental disorder; intellectual disabilities. Identifiers: MedGen C3714756, MeSH D008607, MONDO:0001071, HP:0001249.

Submission:

Labcorp Genetics (formerly Invitae), Labcorp
Classification: Uncertain significance for Intellectual disability. Last evaluated: 2020-07-14. Review status: criteria provided, single submitter. Criteria: Invitae Variant Classification Sherloc (09022015). Collection method: clinical testing. Allele origin: germline.
Comment: This sequence change replaces arginine with lysine at codon 92 of the GABRB2 protein (p.Arg92Lys). The arginine residue is highly conserved and there is a small physicochemical difference between arginine and lysine. This variant is not present in population databases (ExAC no frequency). This variant has not been reported in the literature in individuals with GABRB2-related conditions. Algorithms developed to predict the effect of missense changes on protein structure and function (SIFT, PolyPhen-2, Align-GVGD) all suggest that this variant is likely to be tolerated, but these predictions have not been confirmed by published functional studies and their clinical significance is uncertain. In summary, the available evidence is currently insufficient to determine the role of this variant in disease. Therefore, it has been classified as a Variant of Uncertain Significance.